The following is an entry in ClinVar:

ClinVar aggregate classification (germline): Uncertain significance (1 of 4 stars; one submission).

Allele frequency attached by ClinVar (database versions not stated): gnomAD exomes below 0.00001; TOPMed below 0.00001; gnomAD 0.00001.
gnomAD v4.1: 3 of 1,613,726 alleles (0.00019%); highest among the groups gnomAD compares: Non-Finnish European, 0.00025%; no homozygotes.

Submission:

Labcorp Genetics (formerly Invitae), Labcorp
Classification: Uncertain significance. Last evaluated: 2022-08-21. Review status: criteria provided, single submitter. Criteria: Invitae Variant Classification Sherloc (09022015). Collection method: clinical testing. Allele origin: germline.
Comment: This sequence change replaces threonine, which is neutral and polar, with serine, which is neutral and polar, at codon 502 of the C6 protein (p.Thr502Ser). This variant is present in population databases (no rsID available, gnomAD 0.0009%). This variant has not been reported in the literature in individuals affected with C6-related conditions. Algorithms developed to predict the effect of missense changes on protein structure and function are either unavailable or do not agree on the potential impact of this missense change (SIFT: "Deleterious"; PolyPhen-2: "Probably Damaging"; Align-GVGD: "Class C0"). In summary, the available evidence is currently insufficient to determine the role of this variant in disease. Therefore, it has been classified as a Variant of Uncertain Significance.

NM_000065.5(C6):c.1504A>T (p.Thr502Ser)

Gene: C6 (complement C6; minus strand). Cytogenetic location: 5p13.1.
Variant type: single nucleotide variant.
Coding change: c.1504A>T on transcript NM_000065.5 (MANE Select); coding-DNA position 1504, A replaced by T.
Protein change: p.Thr502Ser; replaces threonine 502 with serine.
Molecular consequence: missense variant.
Genome position (GRCh38, 1-based): chr5:41,160,322, T>A on the plus strand (A>T on the coding strand, the complement: C6 is on the minus strand). VCF-style: chr5-41160322-T-A. GRCh37 (hg19) VCF-style: chr5-41160424-T-A.
Other names: c.1504A>T, p.Thr502Ser (NM_001115131.4); short protein forms T502S.
Identifiers: ClinVar variation 1717402 (VCV001717402.5), dbSNP rs1373990577, ClinGen allele CA359597978.